The following is an entry in ClinVar:

ClinVar aggregate classification (germline): Likely pathogenic (1 of 4 stars; one submission).

Conditions:
Tuberous sclerosis 2 (TSC2). Identifiers: Orphanet 805, MedGen C1860707, MONDO:0013199, OMIM 613254.

Submission:

Oasi Research Institute-IRCCS
Classification: Likely pathogenic for Tuberous sclerosis 2. Review status: criteria provided, single submitter. Criteria: ACMG Guidelines, 2015. Collection method: research. Allele origin: de novo. Affected: yes.
Comment: Mutation is located in a splice-site and is predicted to affect mRNA splicing resulting in a significantly altered protein due to either exon skipping, shortening, or inclusion of intronic material. Several computational tools predict a significant impact on normal splicing. The variant was absent in control chromosomes. ACMG criteria: PP4 (phenotype match), PM2 (absent from control), PP3 (in silico evidence), PS2 (de novo)= Likely Pathogenic. Based on the evidence outlined above, the variant was classified as Likely Pathogenic.

NM_000548.5(TSC2):c.226-3C>G

Gene: TSC2 (TSC complex subunit 2; plus strand). Cytogenetic location: 16p13.3.
Variant type: single nucleotide variant.
Coding change: c.226-3C>G on transcript NM_000548.5 (MANE Select); 3 bases into the intron before coding-DNA position 226, C replaced by G.
Molecular consequence: intron variant.
Genome position (GRCh38, 1-based): chr16:2,053,339, C>G. VCF-style: chr16-2053339-C-G. GRCh37 (hg19) VCF-style: chr16-2103340-C-G.
Other names: c.-1512-3C>G (NM_001406693.1); c.226-3C>G (NM_001406667.1, NM_001406668.1, NM_001114382.3 and 10 more transcripts); c.-591-3C>G (NM_001406680.1, NM_001406683.1, NM_001406687.1); c.-1206-3C>G (NM_001406689.1, NM_001406690.1, NM_001406692.1 and 2 more transcripts); c.-1382-3C>G (NM_001406698.1); c.-1087-3C>G (NM_001406694.1, NM_001406695.1); c.-1194-3C>G (NM_001406696.1); c.-220-3C>G (NM_001406681.1); and 4 more.
Identifiers: ClinVar variation 3777070 (VCV003777070.1).